The following is an entry in ClinVar:

NM_194293.4(XIRP1):c.1765G>A (p.Gly589Ser)

Gene: XIRP1 (xin actin binding repeat containing 1; minus strand). Cytogenetic location: 3p22.2.
Variant type: single nucleotide variant.
Coding change: c.1765G>A on transcript NM_194293.4 (MANE Select); coding-DNA position 1765, G replaced by A.
Protein change: p.Gly589Ser; replaces glycine 589 with serine.
Molecular consequence: missense variant. On other transcripts: intron variant (1).
Genome position (GRCh38, 1-based): chr3:39,187,681, C>T on the plus strand (G>A on the coding strand, the complement: XIRP1 is on the minus strand). VCF-style: chr3-39187681-C-T. GRCh37 (hg19) VCF-style: chr3-39229172-C-T.
Other names: c.1765G>A, p.Gly589Ser (NM_001198621.4); c.-167-2020G>A (NM_001351377.2); short protein forms G589S.
Identifiers: ClinVar variation 3024991 (VCV003024991.22), dbSNP rs201904173, ClinGen allele CA2326434.
Genomic context (GRCh38, chr3:39,187,681, plus strand): 5'-TTTCGGCCAACTCACTCATTGGGCAAGTCTCGAACAACCACCGGATGGTCTGCACATCGC[C>T]CTTTGGGGGTGCCTCAGGCTGGGGGTCTCCCTGACTCTTCCCTTCTTCTTTCTGTCGTTC-3'
Protein context (NP_919269.2, residues 579-599): GDPQPEAPPK[Gly589Ser]DVQTIRWLFE

ClinVar aggregate classification (germline): Uncertain significance (1 of 4 stars; one submission).

Allele frequency attached by ClinVar (database versions not stated): gnomAD 0.00022; gnomAD exomes 0.00022; ExAC 0.00027; TOPMed 0.00039.
gnomAD v4.1: 378 of 1,614,082 alleles (0.023%); highest among the groups gnomAD compares: Middle Eastern, 0.59%; 1 homozygote.

Submission:

CeGaT Center for Human Genetics Tuebingen
Classification: Uncertain significance. Last evaluated: 2024-02-01. Review status: criteria provided, single submitter. Criteria: CeGaT Center For Human Genetics Tuebingen Variant Classification Criteria Version 2. Collection method: clinical testing. Allele origin: germline. Affected: yes. Observed: 1 variant allele.
Comment: XIRP1: PM2, BP4